The following is an entry in ClinVar:

ClinVar aggregate classification (germline): Likely benign. Review status: criteria provided, multiple submitters, no conflicts (2 of 4 stars). 2 submissions from 2 submitters: Likely benign (2). Last evaluated 2025-07-28.

Conditions:
WDR4-related disorder. Also called: WDR4-related condition; WDR4-Related Disorders.

gnomAD v4.1: 123 of 1,553,044 alleles (0.0079%); highest among the groups gnomAD compares: South Asian, 0.1%; 1 homozygote.

Submissions (2):

Labcorp Genetics (formerly Invitae), Labcorp
Classification: Likely benign. Last evaluated: 2025-07-28. Review status: criteria provided, single submitter. Criteria: Invitae Variant Classification Sherloc (09022015). Collection method: clinical testing. Allele origin: germline.

PreventionGenetics, part of Exact Sciences
Classification: Likely benign for WDR4-related condition. Last evaluated: 2025-02-09. Review status: criteria provided, single submitter. Criteria: ACMG Guidelines, 2015. Collection method: clinical testing. Allele origin: germline.
Comment: This variant is classified as likely benign based on ACMG/AMP sequence variant interpretation guidelines (Richards et al. 2015 PMID: 25741868, with internal and published modifications).

NM_018669.6(WDR4):c.660C>T (p.Ser220=)

Gene: WDR4 (WDR4 tRNA N7-guanosine methyltransferase non-catalytic subunit; minus strand). Cytogenetic location: 21q22.3.
Variant type: single nucleotide variant.
Coding change: c.660C>T on transcript NM_018669.6 (MANE Select); coding-DNA position 660, C replaced by T.
Protein change: p.Ser220=; no amino-acid change (serine 220 retained).
Molecular consequence: synonymous variant. On other transcripts: non-coding transcript variant (1).
Genome position (GRCh38, 1-based): chr21:42,855,748, G>A on the plus strand (C>T on the coding strand, the complement: WDR4 is on the minus strand). VCF-style: chr21-42855748-G-A. GRCh37 (hg19) VCF-style: chr21-44275858-G-A.
Other names: c.660C>T, p.Ser220= (NM_001260474.2, NM_033661.5); c.222C>T, p.Ser74= (NM_001260475.2, NM_001260476.2, NM_001260477.2); c.660C>T (NM_033661.4).
Identifiers: ClinVar variation 3636389 (VCV003636389.3).